The following is an entry in ClinVar:

NC_000010.10:g.(?_102505338)_(102510649_102539254)del

Gene: PAX2 (paired box 2; plus strand). Cytogenetic location: 10q24.31.
Variant type: Deletion.
Identifiers: ClinVar variation 3063946 (VCV003063946.1).

ClinVar aggregate classification (germline): Pathogenic (1 of 4 stars; one submission).

Conditions:
PAX2-Related Disorder. Also called: PAX2-related disorders. Identifiers: MedGen CN381309.

Submission:

Women's Health and Genetics/Laboratory Corporation of America, LabCorp
Classification: Pathogenic for PAX2-Related Disorders. Last evaluated: 2024-01-16. Review status: criteria provided, single submitter. Criteria: LabCorp Variant Classification Summary - May 2015. Collection method: clinical testing. Allele origin: germline.
Comment: Variant summary: The variant identified by MLPA or other technology involves the deletion of exons 1-3 in the PAX2 gene. A presumed nomenclature of c.(?_-680)_(410+1_411-1)del has been designated for the purposes of this classification. The exact breakpoint at the 5' end of this variant is unknown, therefore this deletion may extend upstream of the annotated region of this gene. Although the exact breakpoints of this deletion are not known, it is predicted to remove the initiation codon and result in an absence of protein or a truncation of the encoded protein due to translation initiation at a downstream codon (p.M333). The variant was absent in 21694 control chromosomes (gnomAD Structural Variants dataset). Deletion of PAX2 exons 1-3 has been reported in the literature in at least one individual affected with congenital anomalies of the kidney and urinary tract (e.g., Heidet_2017). To our knowledge, no experimental evidence demonstrating an impact on protein function has been reported. The following publication was ascertained in the context of this evaluation (PMID: 28566479). ClinVar contains an entry for this variant (Variation ID: 2424804). Based on the evidence outlined above, the variant was classified as pathogenic.

Literature cited by the submitters: PubMed 28566479.